The following is an entry in ClinVar:

ClinVar aggregate classification (germline): Pathogenic/Likely pathogenic. Review status: criteria provided, multiple submitters, no conflicts (2 of 4 stars). 3 submissions from 3 submitters: Pathogenic (2); Likely pathogenic (1). Last evaluated 2026-01-05.

Conditions:
Glucose-6-phosphate transport defect (GSD1B). Also called: Glycogen Storage Disease Type Ib; GSD Ib. Identifiers: Orphanet 364, Orphanet 79259, MedGen C0268146, MONDO:0009288, OMIM 232220.

Submissions (3):

Labcorp Genetics (formerly Invitae), Labcorp
Classification: Pathogenic for Glucose-6-phosphate transport defect. Last evaluated: 2026-01-05. Review status: criteria provided, single submitter. Criteria: Invitae Variant Classification Sherloc (09022015). Collection method: clinical testing. Allele origin: germline.
Comment: This sequence change creates a premature translational stop signal (p.Lys328Serfs*25) in the SLC37A4 gene. It is expected to result in an absent or disrupted protein product. Loss-of-function variants in SLC37A4 are known to be pathogenic (PMID: 9758626, 10940311). This variant is not present in population databases (gnomAD no frequency). This variant has not been reported in the literature in individuals affected with SLC37A4-related conditions. ClinVar contains an entry for this variant (Variation ID: 1444451). For these reasons, this variant has been classified as Pathogenic.

Natera, Inc.
Classification: Pathogenic for Glycogen storage disease type Ib. Last evaluated: 2024-09-30. Review status: criteria provided, single submitter. Criteria: Natera Variant Classification Schema (03/2026). Collection method: clinical testing. Allele origin: germline.
Comment: The c.981delC variant in SLC37A4 is a frameshift variant predicted to shift the reading frame beginning at codon 328 and leads to a stop codon 25 codons downstream. This variant is expected to result in nonsense mediated decay, truncation, or a dysfunctional protein product. This variant is rare in the general population with a frequency below the threshold expected for the associated phenotype(s). This variant has been observed in one or more individuals affected with the associated recessive disease, as either homozygous or compound heterozygous with a second variant (PMID: 37791580). Given the available evidence, this variant is classified as Pathogenic.

Baylor Genetics
Classification: Likely pathogenic for Glucose-6-phosphate transport defect. Last evaluated: 2023-01-20. Review status: criteria provided, single submitter. Criteria: ACMG Guidelines, 2015. Collection method: clinical testing. Allele origin: unknown.

Literature cited by the submitters: PubMed 9758626 (cited by Labcorp Genetics (formerly Invitae), Labcorp); PubMed 10940311 (cited by Labcorp Genetics (formerly Invitae), Labcorp); PubMed 37791580 (cited by Natera, Inc.).

NM_001164277.2(SLC37A4):c.981del (p.Lys328fs)

Gene: SLC37A4 (solute carrier family 37 member 4; minus strand). Cytogenetic location: 11q23.3.
Variant type: Deletion.
Coding change: c.981del on transcript NM_001164277.2 (MANE Select); coding-DNA position 981, one base deleted (C; older notation c.981delC).
Protein change: p.Lys328fs; shifts the reading frame from lysine 328.
Molecular consequence: frameshift variant.
Genome position (GRCh38, 1-based): chr11:119,025,970, G deleted on the plus strand (C on the coding strand, the reverse complement: SLC37A4 is on the minus strand); the first of 5 consecutive G bases (chr11:119,025,970-119,025,974); deleting any one gives the same sequence. VCF-style (leftmost placement, unchanged base first): chr11-119025969-TG-T. GRCh37 (hg19) VCF-style: chr11-118896679-TG-T.
Other names: c.981delC (NM_001164277.1); c.981del, p.Lys328fs (NM_001164278.2, NM_001164280.2, NM_001467.6); c.762del, p.Lys255fs (NM_001164279.2); short protein forms K255fs, K328fs.
Identifiers: ClinVar variation 1444451 (VCV001444451.8), dbSNP rs1001301633, ClinGen allele CA229597029.